The following is an entry in ClinVar:

ClinVar aggregate classification (germline): Pathogenic (1 of 4 stars; one submission).

Conditions:
POLG-related disorder. Also called: POLG-Related Spectrum Disorders; POLG-related condition; POLG-Related Disorders. Identifiers: MedGen C4763519.

Submission:

Myriad Genetics, Inc.
Classification: Pathogenic for POLG-related disorder. Last evaluated: 2024-02-26. Review status: criteria provided, single submitter. Criteria: Myriad Autosomal Dominant, Autosomal Recessive and X-Linked Classification Criteria (2023). Collection method: clinical testing. Allele origin: unknown.
Comment: NM_002693.2(POLG):c.128delA(Q43Rfs*223) is expected to be pathogenic in the context of POLG-related disorders. This variant is predicted to lead to an abnormal or absent protein product due to the creation of a premature termination codon in POLG, a gene where loss-of-function variants are known to be pathogenic. Please note: this variant was assessed in the context of healthy population screening.

NM_002693.3(POLG):c.128del (p.Gln43fs)

Genes: POLG (DNA polymerase gamma, catalytic subunit; minus strand), POLGARF (POLG alternative reading frame; minus strand). Cytogenetic location: 15q26.1.
Variant type: Deletion.
Coding change: c.128del on transcript NM_002693.3 (MANE Select); coding-DNA position 128, one base deleted (A; older notation c.128delA).
Protein change: p.Gln43fs; shifts the reading frame from glutamine 43.
Molecular consequence: frameshift variant.
Genome position (GRCh38, 1-based): chr15:89,333,627, T deleted on the plus strand (A on the coding strand, the reverse complement: POLG is on the minus strand). VCF-style (leftmost placement, unchanged base first): chr15-89333626-CT-C. GRCh37 (hg19) VCF-style: chr15-89876857-CT-C.
Other names: c.183del, p.Ala62fs (NM_001430120.1); c.128del, p.Gln43fs (NM_001126131.2); short protein forms A62fs, Q43fs.
Identifiers: ClinVar variation 5012777 (VCV005012777.1).